The following is an entry in ClinVar:

ClinVar aggregate classification (germline): Uncertain significance (1 of 4 stars; one submission).

gnomAD v4.1: 1 of 1,613,378 alleles (0.000062%); highest among the groups gnomAD compares: African/African-American, 0.0013%; no homozygotes.

Submission:

Labcorp Genetics (formerly Invitae), Labcorp
Classification: Uncertain significance. Last evaluated: 2024-10-22. Review status: criteria provided, single submitter. Criteria: Invitae Variant Classification Sherloc (09022015). Collection method: clinical testing. Allele origin: germline.
Comment: This sequence change affects codon 535 of the IL23R mRNA. It is a 'silent' change, meaning that it does not change the encoded amino acid sequence of the IL23R protein. The frequency data for this variant in the population databases is considered unreliable, as metrics indicate poor data quality at this position in the gnomAD database. This variant has not been reported in the literature in individuals affected with IL23R-related conditions. Algorithms developed to predict the effect of sequence changes on RNA splicing suggest that this variant may create or strengthen a splice site. In summary, the available evidence is currently insufficient to determine the role of this variant in disease. Therefore, it has been classified as a Variant of Uncertain Significance.

NM_144701.3(IL23R):c.1605A>C (p.Ser535=)

Gene: IL23R (interleukin 23 receptor; plus strand). Cytogenetic location: 1p31.3.
Variant type: single nucleotide variant.
Coding change: c.1605A>C on transcript NM_144701.3 (MANE Select); coding-DNA position 1605, A replaced by C.
Protein change: p.Ser535=; no amino-acid change (serine 535 retained).
Molecular consequence: synonymous variant.
Genome position (GRCh38, 1-based): chr1:67,258,843, A>C. VCF-style: chr1-67258843-A-C. GRCh37 (hg19) VCF-style: chr1-67724526-A-C.
Identifiers: ClinVar variation 3680342 (VCV003680342.2).